The following is an entry in ClinVar:

ClinVar aggregate classification (germline): Pathogenic (1 of 4 stars; one submission).

Submission:

Labcorp Genetics (formerly Invitae), Labcorp
Classification: Pathogenic. Last evaluated: 2020-06-16. Review status: criteria provided, single submitter. Criteria: Invitae Variant Classification Sherloc (09022015). Collection method: clinical testing. Allele origin: germline.
Comment: This sequence change creates a premature translational stop signal (p.Asn53Thrfs*2) in the CTSK gene. It is expected to result in an absent or disrupted protein product. The frequency data for this variant in the population databases is considered unreliable, as metrics indicate poor data quality at this position in the ExAC database. This variant has been observed in an individual with pycnodysostosis (PMID: 29390266). Loss-of-function variants in CTSK are known to be pathogenic (PMID: 12125807, 21569238). For these reasons, this variant has been classified as Pathogenic.

Literature cited by the submitters: PubMed 29390266; PubMed 12125807; PubMed 21569238.

NM_000396.4(CTSK):c.158del (p.Asn53fs)

Gene: CTSK (cathepsin K; minus strand). Cytogenetic location: 1q21.3.
Variant type: Deletion.
Coding change: c.158del on transcript NM_000396.4 (MANE Select); coding-DNA position 158, one base deleted (A; older notation c.158delA).
Protein change: p.Asn53fs; shifts the reading frame from asparagine 53.
Molecular consequence: frameshift variant.
Genome position (GRCh38, 1-based): chr1:150,806,187, T deleted on the plus strand (A on the coding strand, the reverse complement: CTSK is on the minus strand); the first of 7 consecutive T bases (chr1:150,806,187-150,806,193); deleting any one gives the same sequence. VCF-style (leftmost placement, unchanged base first): chr1-150806186-GT-G. GRCh37 (hg19) VCF-style: chr1-150778662-GT-G.
Other names: short protein forms N53fs.
Identifiers: ClinVar variation 1071759 (VCV001071759.10), dbSNP rs764168526, ClinGen allele CA1080564.
Genomic context (GRCh38, chr1:150,806,186, plus strand): 5'-CAGTTCATATGTATGGACACCAAGAGAAGCCTCAAGGTTATGGATGGAAATATACTTCAG[GT>G]TTTTTTCCCAAATTAAACGCCGAGAGATTTCATCCACCTAAACAAAGCATAGTCAGTACT-3'